The following is an entry in ClinVar:

ClinVar aggregate classification (germline): Pathogenic (3 of 4 stars; one submission).

Conditions:
Breast-ovarian cancer, familial, susceptibility to, 2 (BROVCA2). Also called: BRCA2 Hereditary Breast and Ovarian Cancer. Identifiers: Orphanet 145, MedGen C2675520, MONDO:0012933, OMIM 612555. Disease mechanism: loss of function.

Submission:

Evidence-based Network for the Interpretation of Germline Mutant Alleles (ENIGMA)
Classification: Pathogenic for Breast-ovarian cancer, familial, susceptibility to, 2. Last evaluated: 2016-10-18. Review status: reviewed by expert panel. Criteria: ENIGMA BRCA1/2 Classification Criteria (2015). Collection method: curation. Allele origin: germline.
Comment: Variant allele predicted to encode a truncated non-functional protein.

NM_000059.4(BRCA2):c.1923_1924insAT (p.Ser642fs)

Gene: BRCA2 (BRCA2 DNA repair associated; plus strand). Cytogenetic location: 13q13.1.
Variant type: Insertion.
Coding change: c.1923_1924insAT on transcript NM_000059.4 (MANE Select); coding-DNA positions 1923 to 1924, AT inserted.
Protein change: p.Ser642fs; shifts the reading frame from serine 642.
Molecular consequence: frameshift variant.
Genome position: GRCh38 VCF-style: chr13-32336277-C-CTA. GRCh37 (hg19) VCF-style: chr13-32910414-C-CTA.
Other names: 2150insTA; short protein forms S642fs.
Identifiers: ClinVar variation 266669 (VCV000266669.3), dbSNP rs886040397, ClinGen allele CA10589128.